The following is an entry in ClinVar:

NM_001276345.2(TNNT2):c.643C>T (p.Arg215Trp)

Gene: TNNT2 (troponin T2, cardiac type; minus strand). Cytogenetic location: 1q32.1.
Variant type: single nucleotide variant.
Coding change: c.643C>T on transcript NM_001276345.2 (MANE Select); coding-DNA position 643, C replaced by T.
Protein change: p.Arg215Trp; replaces arginine 215 with tryptophan.
Molecular consequence: missense variant.
Genome position (GRCh38, 1-based): chr1:201,361,989, G>A on the plus strand (C>T on the coding strand, the complement: TNNT2 is on the minus strand). VCF-style: chr1-201361989-G-A. GRCh37 (hg19) VCF-style: chr1-201331117-G-A.
Other names: p.R205W:CGG>TGG; c.613C>T, p.Arg205Trp (NM_001276347.2, NM_001001430.3); c.634C>T, p.Arg212Trp (NM_000364.4); c.604C>T, p.Arg202Trp (NM_001001431.3); c.595C>T, p.Arg199Trp (NM_001001432.3); c.514C>T, p.Arg172Trp (NM_001276346.2); short protein forms R205W, R212W, R172W, R202W, R215W, R199W.
Identifiers: ClinVar variation 180554 (VCV000180554.23), dbSNP rs45586240, ClinGen allele CA004855.

ClinVar aggregate classification (germline): Conflicting classifications of pathogenicity. Review status: criteria provided, conflicting classifications (1 of 4 stars). 8 submissions from 8 submitters: Pathogenic (2); Likely pathogenic (5); Uncertain significance (1). Last evaluated 2025-09-24.

Conditions:
Primary familial dilated cardiomyopathy (FDC). Also called: Hypokinetic dilated cardiomyopathy, familial; Familial dilated cardiomyopathy. Identifiers: Orphanet 217607, MedGen C0340427, MONDO:0016333.
Dilated and arrhythmogenic cardiomyopathy.
Cardiovascular phenotype. Identifiers: MedGen CN230736.
Cardiomyopathy (CMYO). Also called: Cardiomyopathies. Identifiers: Orphanet 167848, MedGen C0878544, MONDO:0004994, HP:0001638. Inheritance: Various modes of inheritance.
Hypertrophic cardiomyopathy 2. Also called: TNNT2-Related Familial Hypertrophic Cardiomyopathy. Identifiers: MedGen C1861864, MONDO:0007266, OMIM 115195.
Cardiomyopathy, familial restrictive, 3. Identifiers: Orphanet 75249, MedGen C2676271, MONDO:0012900, OMIM 612422.
Dilated cardiomyopathy 1D. Identifiers: Orphanet 154, Orphanet 54260, MedGen C1832243, MONDO:0011095, OMIM 601494.

Submissions (8):

Labcorp Genetics (formerly Invitae), Labcorp
Classification: Pathogenic for Cardiomyopathy, familial restrictive, 3; Hypertrophic cardiomyopathy 2; Dilated cardiomyopathy 1D. Last evaluated: 2025-09-24. Review status: criteria provided, single submitter. Criteria: Invitae Variant Classification Sherloc (09022015). Collection method: clinical testing. Allele origin: germline.
Comment: This sequence change replaces arginine, which is basic and polar, with tryptophan, which is neutral and slightly polar, at codon 205 of the TNNT2 protein (p.Arg205Trp). This variant is not present in population databases (gnomAD no frequency). This missense change has been observed in individuals with dilated cardiomyopathy or hypertrophic cardiomyopathy (PMID: 20031601, 23349452, 26084686, 26779504, 27532257, 30847666, 31983221, 36264615, 36578016). This variant is also known as c.634C>T (p.R212W). ClinVar contains an entry for this variant (Variation ID: 180554). Invitae Evidence Modeling of protein sequence and biophysical properties (such as structural, functional, and spatial information, amino acid conservation, physicochemical variation, residue mobility, and thermodynamic stability) has been performed for this missense variant. However, the output from this modeling did not meet the statistical confidence thresholds required to predict the impact of this variant on TNNT2 protein function. Experimental studies have shown that this missense change affects TNNT2 function (PMID: 20031601, 27411801). This variant disrupts the p.Arg205 amino acid residue in TNNT2. Other variant(s) that disrupt this residue have been determined to be pathogenic (PMID: 26498512; internal data). This suggests that this residue is clinically significant, and that variants that disrupt this residue are likely to be disease-causing. For these reasons, this variant has been classified as Pathogenic.

3billion
Classification: Likely pathogenic for Dilated cardiomyopathy 1D. Last evaluated: 2025-06-09. Review status: criteria provided, single submitter. Criteria: ACMG Guidelines, 2015. Collection method: clinical testing. Allele origin: germline. Affected: yes.
Comment: The variant is observed at an extremely low frequency in the gnomAD v4.1.0 dataset (total allele frequency: <0.001%). Predicted Consequence/Location: Missense variant In silico tool predictions suggest damaging effect of the variant on gene or gene product [REVEL: 0.80 (>=0.6, sensitivity 0.68 and specificity 0.92); 3Cnet: 0.99 (> 0.75, sensitivity 0.96 and precision 0.92)]. The same nucleotide change resulting in the same amino acid change has been previously reported as pathogenic/likely pathogenic with strong evidence (ClinVar ID: VCV000180554 /PMID: 19412328 /3billion dataset). Different missense changes at the same codon (p.Arg215Gln, p.Arg215Leu, p.Arg215Pro) have been reported as pathogenic/likely pathogenic with strong evidence (ClinVar ID: VCV000012416, VCV000165539, VCV000229338 /PMID: 15542288, 26498512). Therefore, this variant is classified as Likely pathogenic according to the recommendation of ACMG/AMP guideline.

North West Genomic Laboratory Hub, Manchester University NHS Foundation Trust
Classification: Likely pathogenic for Dilated and arrhythmogenic cardiomyopathy. Last evaluated: 2024-10-16. Review status: criteria provided, single submitter. Criteria: ACGS Best Practice Guidelines for Variant Classification in Rare Disease 2020. Collection method: clinical testing. Allele origin: germline. Affected: yes.
Comment: PS3_Supp PP3_Supp PS4_Str

Ambry Genetics
Classification: Uncertain significance for Cardiovascular phenotype. Last evaluated: 2024-02-07. Review status: criteria provided, single submitter. Criteria: Ambry Variant Classification Scheme 2023. Collection method: clinical testing. Allele origin: germline.
Comment: The p.R205W variant (also known as c.613C>T), located in coding exon 12 of the TNNT2 gene, results from a C to T substitution at nucleotide position 613. The arginine at codon 205 is replaced by tryptophan, an amino acid with dissimilar properties. This alteration has been reported in dilated cardiomyopathy (DCM) cohorts; however, clinical details were limited in some cases (Hershberger RE et al. Clin Transl Sci, 2008 May;1:21-6; Hershberger RE et al. Circ Cardiovasc Genet, 2009 Aug;2:306-13; van Spaendonck-Zwarts KY et al. Eur. J. Heart Fail., 2013 Jun;15:628-36; Walsh R et al. Genet Med, 2017 02;19:192-203; Akinrinade O et al. Eur Heart J, 2015 Sep;36:2327-37). Functional studies suggest this alteration has an impact on calcium sensitivity (Hershberger RE et al. Circ Cardiovasc Genet, 2009 Aug;2:306-13). This amino acid position is highly conserved in available vertebrate species. In addition, this alteration is predicted to be deleterious by in silico analysis. Since supporting evidence is limited at this time, the clinical significance of this alteration remains unclear.

Illumina Laboratory Services, Illumina
Classification: Likely pathogenic for Dilated cardiomyopathy 1D. Last evaluated: 2023-11-28. Review status: criteria provided, single submitter. Criteria: ICSLVariantClassificationCriteria RUGD 01 April 2020. Collection method: clinical testing. Allele origin: unknown.
Comment: The TNNT2 c.643C>T p.(Arg215Trp) variant, also known as p.(Arg205Trp), has been identified in several individuals with dilated cardiomyopathy (DCM) (PMID: 20031601; 23349452; 26084686; 27532257; 30847666) and in an individual with hypertrophic cardiomyopathy in trans with a second pathogenic variant (PMID: 26779504). Additionally, a different amino acid substitution at the same codon, p.(Arg215Gln), has been reported in individuals with DCM. Functional studies conducted in non-human cells demonstrated that this variant impacts protein function (PMID: 20031601). This variant is not observed at a significant frequency in version 2.1.1 or version 4.0.0 of the Genome Aggregation Database. Multiple lines of computation evidence suggest the variant may impact the gene or gene product. Based on the available evidence, the c.643C>T p.(Arg215Trp) variant is classified as likely pathogenic for TNNT2-related cardiomyopathy.

GeneDx
Classification: Pathogenic. Last evaluated: 2022-12-29. Review status: criteria provided, single submitter. Criteria: GeneDx Variant Classification Process June 2021. Collection method: clinical testing. Allele origin: germline. Affected: yes.
Comment: Not observed at significant frequency in large population cohorts (gnomAD); In silico analysis supports that this missense variant has a deleterious effect on protein structure/function; This variant is associated with the following publications: (PMID: 31983221, 30847666, 15542288, 22337857, 21483645, 23349452, 20031601, 27532257, 25649125, 27576561, 19412328, n/a, 28352236, 23897817)

CHEO Genetics Diagnostic Laboratory, Children's Hospital of Eastern Ontario
Classification: Likely pathogenic for Cardiomyopathy. Last evaluated: 2019-09-16. Review status: criteria provided, single submitter. Criteria: ACMG Guidelines, 2015. Collection method: clinical testing. Allele origin: germline. Study: Canadian Open Genetics Repository.

Women's Health and Genetics/Laboratory Corporation of America, LabCorp
Classification: Likely pathogenic for Familial dilated cardiomyopathy. Last evaluated: 2019-01-21. Review status: criteria provided, single submitter. Criteria: LabCorp Variant Classification Summary - May 2015. Collection method: clinical testing. Allele origin: germline.
Comment: Variant summary: TNNT2 c.613C>T (p.Arg205Trp) results in a non-conservative amino acid change in the encoded protein sequence. Five of five in-silico tools predict a damaging effect of the variant on protein function. The variant allele was found at a frequency of 4.1e-06 in 246252 control chromosomes (gnomAD). The available data on variant occurrences in the general population are insufficient to allow any conclusion about variant significance. c.613C>T has been reported in the literature in individuals affected with Dilated Cardiomyopathy (Hershberger 2008, Hershberger 2009, Rampersaud 2011, Walsh 2017, Akinrinade 2015, Ware 2018, van Spaendonck-Zwarts 2013), and in one patient with severe Hypertrophic Cardiomyopathy (HCM), however in this case the patient also carried another causative variant pathogenic for HCM (MYL2 c.173G>A (p.R58Q)) (Jaafar 2015). These data indicate that the variant is likely to be associated with disease. Two functional studies reported the variant to reduce calcium sensitivity (Hershberger 2009, Michael 2016), that is consistent with the cellular pathomechanism observed for other variants associated with DCM (see e.g. in England 2017). In addition, a different variant at the same codon has been reported in association with DCM (p.Arg205Leu), indicating the functional significance of this amino acid. One clinical diagnostic laboratory has submitted clinical-significance assessments for this variant to ClinVar after 2014 without evidence for independent evaluation, and classified the variant as uncertain significance. Based on the evidence outlined above, the variant was classified as likely pathogenic.

Literature cited by the submitters: PubMed 20031601 (cited by 3 submitters); PubMed 23349452 (cited by 4 submitters); PubMed 26084686 (cited by 4 submitters); PubMed 26779504 (cited by 4 submitters); PubMed 27532257 (cited by 4 submitters); PubMed 30847666 (cited by 3 submitters); PubMed 31983221 (cited by Labcorp Genetics (formerly Invitae), Labcorp and Ambry Genetics); PubMed 36264615 (cited by Labcorp Genetics (formerly Invitae), Labcorp and Ambry Genetics); PubMed 36578016 (cited by Labcorp Genetics (formerly Invitae), Labcorp and Ambry Genetics); PubMed 27411801 (cited by Labcorp Genetics (formerly Invitae), Labcorp and Women's Health and Genetics/Laboratory Corporation of America, LabCorp); PubMed 26498512 (cited by Labcorp Genetics (formerly Invitae), Labcorp); PubMed 15542288 (cited by 3billion and Ambry Genetics); PubMed 19412328 (cited by 3 submitters); PubMed 29773157 (cited by Ambry Genetics and Women's Health and Genetics/Laboratory Corporation of America, LabCorp); PubMed 20215591 (cited by Women's Health and Genetics/Laboratory Corporation of America, LabCorp); PubMed 27576561 (cited by Women's Health and Genetics/Laboratory Corporation of America, LabCorp); PubMed 21483645 (cited by Women's Health and Genetics/Laboratory Corporation of America, LabCorp); PubMed 29367539 (cited by Women's Health and Genetics/Laboratory Corporation of America, LabCorp).